The following is an entry in ClinVar:

ClinVar aggregate classification (germline): Conflicting classifications of pathogenicity. Review status: criteria provided, conflicting classifications (1 of 4 stars). 3 submissions from 3 submitters: Likely pathogenic (2); Uncertain significance (1). Last evaluated 2025-12-29.

Conditions:
Bartter disease type 3. Also called: Bartter syndrome type 3. Identifiers: Orphanet 112, Orphanet 93605, MedGen C1846343, MONDO:0011822, OMIM 607364.
Bartter disease type 4B. Also called: Bartter syndrome, type 4b, digenic; BARTTER SYNDROME, TYPE 4B; BARTTER SYNDROME, TYPE 4B, NEONATAL, WITH SENSORINEURAL DEAFNESS. Identifiers: Orphanet 112, MedGen C4310805, MONDO:0000909, OMIM 613090.

gnomAD v4.1: 1 of 1,614,052 alleles (0.000062%); highest among the groups gnomAD compares: Non-Finnish European, 0.000085%; no homozygotes.

Submissions (3):

Center for Genomic Medicine, Rigshospitalet, Copenhagen University Hospital
Classification: Likely pathogenic. Last evaluated: 2025-12-29. Review status: criteria provided, single submitter. Criteria: ACMG Guidelines, 2015. Collection method: clinical testing. Allele origin: germline.
Comment: Classification criteria: PM2_supporting, PS3, PM3_supporting, PP3

Fulgent Genetics
Classification: Likely pathogenic for Bartter disease type 3; Bartter disease type 4B. Last evaluated: 2023-12-23. Review status: criteria provided, single submitter. Criteria: ACMG Guidelines, 2015. Collection method: clinical testing. Allele origin: germline.

3billion
Classification: Uncertain significance for Bartter disease type 3. Last evaluated: 2023-11-10. Review status: criteria provided, single submitter. Criteria: ACMG Guidelines, 2015. Collection method: clinical testing. Allele origin: germline. Affected: yes.
Comment: The variant is observed at an extremely low frequency in the gnomAD v2.1.1 dataset (total allele frequency: <0.001%). Predicted Consequence/Location: Missense variant In silico tool predictions suggest damaging effect of the variant on gene or gene product [REVEL: 0.82 (>=0.6, sensitivity 0.68 and specificity 0.92)]. Same nucleotide change resulting in same amino acid change has been previously reported to be associated with CLCNKB-related disorder (PMID: 16306206). However, the evidence of pathogenicity is insufficient at this time. Therefore, this variant is classified as VUS according to the recommendation of ACMG/AMP guideline.

Literature cited by the submitters: PubMed 28381550 (cited by Center for Genomic Medicine, Rigshospitalet, Copenhagen University Hospital); PubMed 16306206 (cited by Center for Genomic Medicine, Rigshospitalet, Copenhagen University Hospital and 3billion); PubMed 28555925 (cited by Center for Genomic Medicine, Rigshospitalet, Copenhagen University Hospital).

NM_000085.5(CLCNKB):c.446T>A (p.Val149Glu)

Genes: CLCNKB (chloride voltage-gated channel Kb; plus strand), LOC106501713 (CLCNKB recombination region; plus strand). Cytogenetic location: 1p36.13.
Variant type: single nucleotide variant.
Coding change: c.446T>A on transcript NM_000085.5 (MANE Select); coding-DNA position 446, T replaced by A.
Protein change: p.Val149Glu; replaces valine 149 with glutamic acid.
Molecular consequence: missense variant.
Genome position (GRCh38, 1-based): chr1:16,047,992, T>A. VCF-style: chr1-16047992-T-A. GRCh37 (hg19) VCF-style: chr1-16374487-T-A.
Other names: short protein forms V149E.
Identifiers: ClinVar variation 3599238 (VCV003599238.3).